The following is an entry in ClinVar:

NM_001009944.3(PKD1):c.7887_7888insTGTGGCG (p.Ala2630fs)

Gene: PKD1 (polycystin 1, transient receptor potential channel interacting; minus strand). Cytogenetic location: 16p13.3.
Variant type: Insertion.
Coding change: c.7887_7888insTGTGGCG on transcript NM_001009944.3 (MANE Select); coding-DNA positions 7887 to 7888, TGTGGCG inserted.
Protein change: p.Ala2630fs; shifts the reading frame from alanine 2630.
Molecular consequence: frameshift variant.
Genome position: GRCh38 VCF-style: chr16-2105450-C-CCGCCACA. GRCh37 (hg19) VCF-style: chr16-2155451-C-CCGCCACA.
Other names: c.7887_7888insTGTGGCG, p.Ala2630fs (NM_000296.4); short protein forms A2630fs.
Identifiers: ClinVar variation 3235176 (VCV003235176.1), dbSNP rs2544770043.

ClinVar aggregate classification (germline): Pathogenic (1 of 4 stars; one submission).

Conditions:
Polycystic kidney disease, adult type (PKD1). Also called: Polycystic Kidney Disease 1, Autosomal Dominant; Polycystic kidney disease 1; Polycystic kidney disease 1, severe; Polycystic Kidney, Autosomal Dominant; POLYCYSTIC KIDNEY DISEASE 1 WITH OR WITHOUT POLYCYSTIC LIVER DISEASE; POLYCYSTIC KIDNEY DISEASE, ADULT, TYPE I. Identifiers: MedGen C3149841, MONDO:0008263, OMIM 173900.

Submission:

MVZ Medizinische Genetik Mainz
Classification: Pathogenic for Polycystic kidney disease, adult type. Last evaluated: 2022-05-19. Review status: criteria provided, single submitter. Criteria: UK Practice Guidelines For Variant Classification V4 01 2020. Collection method: clinical testing. Allele origin: germline. Inheritance: Autosomal dominant inheritance. Affected: yes. Observed: 1 variant allele.
Comment: ACMG Criteria: PVS1, PM2_SUP, PP4 (ACMG Version 3)